The following is an entry in ClinVar:

ClinVar aggregate classification (germline): Uncertain significance. Review status: criteria provided, multiple submitters, no conflicts (2 of 4 stars). 3 submissions from 3 submitters: Uncertain significance (3). Last evaluated 2025-07-24.

Conditions:
Hereditary cancer-predisposing syndrome. Also called: Hereditary neoplastic syndrome; Neoplastic Syndromes, Hereditary; Tumor predisposition; Hereditary Cancer Syndrome. Identifiers: Orphanet 140162, MedGen C0027672, MeSH D009386, MONDO:0015356.
Oligodontia-cancer predisposition syndrome. Also called: TOOTH AGENESIS-COLORECTAL CANCER SYNDROME. Identifiers: Orphanet 300576, MedGen C1837750, MONDO:0012075, OMIM 608615. Disease mechanism: loss of function.

Submissions (3):

Ambry Genetics
Classification: Uncertain significance for Hereditary cancer-predisposing syndrome. Last evaluated: 2025-07-24. Review status: criteria provided, single submitter. Criteria: Ambry Variant Classification Scheme 2023. Collection method: clinical testing. Allele origin: germline.
Comment: The c.754_755delAGinsCC variant (also known as p.S252P), located in coding exon 1 of the AXIN2 gene, results from an in-frame deletion of AG and insertion of CC at nucleotide positions 754 to 755. This results in the substitution of the serine residue for a proline residue at codon 252, an amino acid with similar properties. This amino acid position is not well conserved in available vertebrate species. In addition, this alteration is predicted to be neutral by in silico analysis (Choi Y et al. PLoS ONE. 2012; 7(10):e46688). Since supporting evidence is limited at this time, the clinical significance of this alteration remains unclear.

Labcorp Genetics (formerly Invitae), Labcorp
Classification: Uncertain significance for Oligodontia-cancer predisposition syndrome. Last evaluated: 2024-11-25. Review status: criteria provided, single submitter. Criteria: Invitae Variant Classification Sherloc (09022015). Collection method: clinical testing. Allele origin: germline.
Comment: This sequence change replaces serine, which is neutral and polar, with proline, which is neutral and non-polar, at codon 252 of the AXIN2 protein (p.Ser252Pro). Information on the frequency of this variant in the gnomAD database is not available, as this variant may be reported differently in the database. This variant has not been reported in the literature in individuals affected with AXIN2-related conditions. ClinVar contains an entry for this variant (Variation ID: 423052). An algorithm developed to predict the effect of missense changes on protein structure and function (PolyPhen-2) suggests that this variant is likely to be disruptive. In summary, the available evidence is currently insufficient to determine the role of this variant in disease. Therefore, it has been classified as a Variant of Uncertain Significance.

GeneDx
Classification: Uncertain significance. Last evaluated: 2017-01-17. Review status: criteria provided, single submitter. Criteria: GeneDx Variant Classification (06012015). Collection method: clinical testing. Allele origin: germline. Affected: yes.
Comment: This variant is denoted AXIN2 c.754_755delAGinsCC at the cDNA level, p.Ser252Pro (S252P) at the protein level. The normal sequence, with the bases that are altered in brackets, is GTCC[delAG][insCC]CAAA. This in frame deletion and insertion occurs on the same allele (in cis) and results in the missense change of a Serine to a Proline (AGC>CCC). This variant has not, to our knowledge, been published in the literature as pathogenic or benign. Neither AXIN2 c.754_755delAGinsCC nor AXIN2 Ser252Pro (by this or an alternate nucleotide change) was observed in approximately 6,500 individuals of European and African American ancestry in the NHLBI Exome Sequencing Project, suggesting it is not a common benign variant in these populations. Since Serine and Proline differ in polarity, charge, size or other properties, this is considered a non-conservative amino acid substitution. AXIN2 Ser252Pro occurs at a position that is conserved in mammals and is not located in a known functional domain (Salahshor 2005). Based on currently available evidence, it is unclear whether AXIN2 Ser252Pro is a pathogenic or benign variant. We consider it to be a variant of uncertain significance.

NM_004655.4(AXIN2):c.754_755delinsCC (p.Ser252Pro)

Gene: AXIN2 (axin 2; minus strand). Cytogenetic location: 17q24.1.
Variant type: Indel.
Coding change: c.754_755delinsCC on transcript NM_004655.4 (MANE Select); coding-DNA positions 754 to 755, AG replaced by CC.
Protein change: p.Ser252Pro; replaces serine 252 with proline.
Molecular consequence: missense variant.
Genome position (GRCh38, 1-based): chr17:65,557,866-65,557,867, CT replaced by GG on the plus strand (AG replaced by CC on the coding strand, the reverse complement: AXIN2 is on the minus strand). VCF-style: chr17-65557866-CT-GG. GRCh37 (hg19) VCF-style: chr17-63553984-CT-GG.
Other names: c.754_755delAGinsCC (LRG_296t1); c.754_755delinsCC, p.Ser252Pro (NM_001363813.1); c.754_755delinsCC (NM_004655.3); short protein forms S252P.
Identifiers: ClinVar variation 423052 (VCV000423052.13), dbSNP rs1064796197, ClinGen allele CA16620577.